The following is an entry in ClinVar:

NM_000187.4(HGD):c.995C>G (p.Pro332Arg)

Gene: HGD (homogentisate 1,2-dioxygenase; minus strand). Cytogenetic location: 3q13.33.
Variant type: single nucleotide variant.
Coding change: c.995C>G on transcript NM_000187.4 (MANE Select); coding-DNA position 995, C replaced by G.
Protein change: p.Pro332Arg; replaces proline 332 with arginine.
Molecular consequence: missense variant.
Genome position (GRCh38, 1-based): chr3:120,638,466, G>C on the plus strand (C>G on the coding strand, the complement: HGD is on the minus strand). VCF-style: chr3-120638466-G-C. GRCh37 (hg19) VCF-style: chr3-120357313-G-C.
Other names: short protein forms P332R.
Identifiers: ClinVar variation 2627724 (VCV002627724.1), dbSNP rs2472670494, ClinGen allele CA354073318.

ClinVar aggregate classification (germline): Pathogenic (0 of 4 stars; one submission).

Conditions:
Alkaptonuria (AKU). Also called: Alkaptonuric ochronosis; Homogentisic acidura; Alcaptonuria; HOMOGENTISIC ACID OXIDASE DEFICIENCY. Identifiers: Orphanet 56, MedGen C0002066, MONDO:0008753, OMIM 203500.

Submission:

Department Of Human Genetics, Institute Of Clinical And Translational Research, Biomedical Research Center, Slovak Academy Of Sciences
Classification: Pathogenic for Alkaptonuria. Review status: no assertion criteria provided. Collection method: research. Allele origin: germline. Inheritance: Autosomal recessive inheritance. Affected: yes. Observed: 2 variant alleles.
Comment: The variant was originally described in AKU patient in PMID:30737480. It has been submitted to the HGD gene mutation database (DB-ID: AKU_00184).

Literature cited by the submitters: PubMed 30737480.